The following is an entry in ClinVar:

ClinVar aggregate classification (germline): Likely benign (1 of 4 stars; one submission).

Allele frequency attached by ClinVar (database versions not stated): gnomAD exomes below 0.00001; ExAC 0.00003.
gnomAD v4.1: 5 of 1,614,168 alleles (0.00031%); highest among the groups gnomAD compares: African/African-American, 0.0013%; no homozygotes.

Submission:

CeGaT Center for Human Genetics Tuebingen
Classification: Likely benign. Last evaluated: 2022-06-01. Review status: criteria provided, single submitter. Criteria: CeGaT Center For Human Genetics Tuebingen Variant Classification Criteria Version 2. Collection method: clinical testing. Allele origin: germline. Affected: yes. Observed: 1 variant allele.
Comment: ABCB6: BP4

NM_005689.4(ABCB6):c.1452+4A>G

Gene: ABCB6 (ATP binding cassette subfamily B member 6 (LAN blood group); minus strand). Cytogenetic location: 2q35.
Variant type: single nucleotide variant.
Coding change: c.1452+4A>G on transcript NM_005689.4 (MANE Select); 4 bases into the intron after coding-DNA position 1452, A replaced by G.
Molecular consequence: intron variant.
Genome position (GRCh38, 1-based): chr2:219,214,117, T>C on the plus strand (A>G on the coding strand, the complement: ABCB6 is on the minus strand). VCF-style: chr2-219214117-T-C. GRCh37 (hg19) VCF-style: chr2-220078839-T-C.
Other names: c.1314+4A>G (NM_001349828.2).
Identifiers: ClinVar variation 2651914 (VCV002651914.24), dbSNP rs753025645, ClinGen allele CA2119390.